The following is an entry in ClinVar:

NM_001372078.1(REV3L):c.3671C>T (p.Thr1224Ile)

Gene: REV3L (REV3 like, DNA directed polymerase zeta catalytic subunit; minus strand). Cytogenetic location: 6q21.
Variant type: single nucleotide variant.
Coding change: c.3671C>T on transcript NM_001372078.1 (MANE Select); coding-DNA position 3671, C replaced by T.
Protein change: p.Thr1224Ile; replaces threonine 1224 with isoleucine.
Molecular consequence: missense variant.
Genome position (GRCh38, 1-based): chr6:111,374,684, G>A on the plus strand (C>T on the coding strand, the complement: REV3L is on the minus strand). VCF-style: chr6-111374684-G-A. GRCh37 (hg19) VCF-style: chr6-111695887-G-A.
Other names: c.3437C>T, p.Thr1146Ile (NM_001286431.2, NM_001286432.2); c.3671C>T, p.Thr1224Ile (NM_002912.5); short protein forms T1146I, T1224I.
Identifiers: ClinVar variation 3059806 (VCV003059806.3), dbSNP rs462779, ClinGen allele CA3962156.

ClinVar aggregate classification (germline): Benign. Review status: criteria provided, single submitter (1 of 4 stars). 2 submissions from 2 submitters: Benign (1). 1 of the submissions does not count toward it. Last evaluated 2024-11-27.

Conditions:
REV3L-related disorder. Also called: REV3L-related condition.

Allele frequency attached by ClinVar (database versions not stated): 1000 Genomes Project 30x 0.58385; 1000 Genomes Project 0.58646; TOPMed 0.66229; gnomAD 0.67188; ESP Exome Variant Server 0.68663; ExAC 0.71652; gnomAD exomes 0.78005.
gnomAD v4.1: 1,240,252 of 1,612,660 alleles (77%); highest among the groups gnomAD compares: Non-Finnish European, 82%; 486,868 homozygotes.

Submissions (2):

Blueprint Genetics
Classification: Benign. Last evaluated: 2024-11-27. Review status: criteria provided, single submitter. Criteria: ACMG Guidelines, 2015. Collection method: clinical testing. Allele origin: germline.

PreventionGenetics, part of Exact Sciences
Classification: Benign for REV3L-related condition. Last evaluated: 2019-06-06. Review status: no assertion criteria provided. Collection method: clinical testing. Allele origin: germline. Not counted in ClinVar's aggregate classification.
Comment: This variant is classified as benign based on ACMG/AMP sequence variant interpretation guidelines (Richards et al. 2015 PMID: 25741868, with internal and published modifications).